The following is an entry in ClinVar:

ClinVar aggregate classification (germline): Uncertain significance. Review status: criteria provided, multiple submitters, no conflicts (2 of 4 stars). 2 submissions from 2 submitters: Uncertain significance (2). Last evaluated 2025-11-20.

Conditions:
Inborn genetic diseases. Identifiers: MedGen C0950123, MeSH D030342.

gnomAD v4.1: 76 of 1,612,602 alleles (0.0047%); highest among the groups gnomAD compares: Non-Finnish European, 0.0061%; no homozygotes.

Submissions (2):

Ambry Genetics
Classification: Uncertain significance for Inborn genetic diseases. Last evaluated: 2025-11-20. Review status: criteria provided, single submitter. Criteria: Ambry Variant Classification Scheme 2023. Collection method: clinical testing. Allele origin: germline.

Labcorp Genetics (formerly Invitae), Labcorp
Classification: Uncertain significance. Last evaluated: 2024-05-21. Review status: criteria provided, single submitter. Criteria: Invitae Variant Classification Sherloc (09022015). Collection method: clinical testing. Allele origin: germline.
Comment: This sequence change replaces valine, which is neutral and non-polar, with isoleucine, which is neutral and non-polar, at codon 1418 of the SPTBN2 protein (p.Val1418Ile). This variant is present in population databases (rs777965059, gnomAD 0.01%). This variant has not been reported in the literature in individuals affected with SPTBN2-related conditions. Advanced modeling of protein sequence and biophysical properties (such as structural, functional, and spatial information, amino acid conservation, physicochemical variation, residue mobility, and thermodynamic stability) performed at Invitae indicates that this missense variant is not expected to disrupt SPTBN2 protein function with a negative predictive value of 80%. In summary, the available evidence is currently insufficient to determine the role of this variant in disease. Therefore, it has been classified as a Variant of Uncertain Significance.

NM_006946.4(SPTBN2):c.4252G>A (p.Val1418Ile)

Gene: SPTBN2 (spectrin beta, non-erythrocytic 2; minus strand). Cytogenetic location: 11q13.2.
Variant type: single nucleotide variant.
Coding change: c.4252G>A on transcript NM_006946.4 (MANE Select); coding-DNA position 4252, G replaced by A.
Protein change: p.Val1418Ile; replaces valine 1418 with isoleucine.
Molecular consequence: missense variant.
Genome position (GRCh38, 1-based): chr11:66,696,303, C>T on the plus strand (G>A on the coding strand, the complement: SPTBN2 is on the minus strand). VCF-style: chr11-66696303-C-T. GRCh37 (hg19) VCF-style: chr11-66463774-C-T.
Other names: c.4273G>A, p.Val1425Ile (NM_001411025.1); c.4252G>A (NM_006946.2); short protein forms V1418I, V1425I.
Identifiers: ClinVar variation 3670463 (VCV003670463.3).